The following is an entry in ClinVar:

ClinVar aggregate classification (germline): Conflicting classifications of pathogenicity. Review status: criteria provided, conflicting classifications (1 of 4 stars). 9 submissions from 8 submitters: Uncertain significance (3); Likely benign (4). 2 of the submissions do not count toward it. Last evaluated 2026-01-26.

Conditions:
CFTR-related disorder (CFTR-RD). Also called: CFTR-related disorders; CFTR-related condition. Identifiers: MedGen C5924204, MONDO:7770004.
Congenital bilateral aplasia of vas deferens from CFTR mutation (CBAVD). Identifiers: Orphanet 48, MedGen C0403814, MONDO:0010178, OMIM 277180. Disease mechanism: loss of function.
Cystic fibrosis (CF). Also called: MUCOVISCIDOSIS. Identifiers: Orphanet 586, MedGen C0010674, MONDO:0009061, OMIM 219700. Disease mechanism: loss of function.

Allele frequency attached by ClinVar (database versions not stated): TOPMed 0.00002; gnomAD 0.00004 and 0.00003; ExAC 0.00008; gnomAD exomes 0.00006 and 0.00007.
gnomAD v4.1: 101 of 1,499,750 alleles (0.0067%); highest among the groups gnomAD compares: Non-Finnish European, 0.009%; no homozygotes.

Submissions (9):

Labcorp Genetics (formerly Invitae), Labcorp
Classification: Likely benign for Cystic fibrosis. Last evaluated: 2026-01-26. Review status: criteria provided, single submitter. Criteria: Invitae Variant Classification Sherloc (09022015). Collection method: clinical testing. Allele origin: germline.

Ambry Genetics
Classification: Likely benign for Cystic fibrosis. Last evaluated: 2024-05-31. Review status: criteria provided, single submitter. Criteria: Ambry Variant Classification Scheme 2023. Collection method: clinical testing. Allele origin: germline.

Women's Health and Genetics/Laboratory Corporation of America, LabCorp
Classification: Likely benign. Last evaluated: 2023-09-27. Review status: criteria provided, single submitter. Criteria: LabCorp Variant Classification Summary - May 2015. Collection method: clinical testing. Allele origin: germline.
Comment: Variant summary: CFTR c.1679+9C>G alters a non-conserved nucleotide located at a position not widely known to affect splicing. Several computational tools predict a significant impact on normal splicing: Four predict the variant no significant impact on splicing. However, these predictions have yet to be confirmed by functional studies. The variant allele was found at a frequency of 5.6e-05 in 250146 control chromosomes. This frequency is not significantly higher than estimated for a pathogenic variant in CFTR causing Chronic Pancreatitis Risk (5.6e-05 vs 0.0063), allowing no conclusion about variant significance. c.1679+9C>G has been reported in the literature. This report does not provide unequivocal conclusions about association of the variant with Chronic Pancreatitis Risk. To our knowledge, no experimental evidence demonstrating an impact on protein function has been reported. The following publication have been ascertained in the context of this evaluation (PMID: 23343000). Five submitters have cited clinical-significance assessments for this variant to ClinVar after 2014 and classified as VUS (n=3) and likely benign (n=2). Based on the evidence outlined above, the variant was classified as likely benign.

Johns Hopkins Genomics, Johns Hopkins University
Classification: Likely benign for Cystic fibrosis. Last evaluated: 2022-09-06. Review status: criteria provided, single submitter. Criteria: ACMG Guidelines, 2015. Collection method: clinical testing. Allele origin: germline.

Genome-Nilou Lab
Classification: Uncertain significance for Cystic fibrosis. Last evaluated: 2021-07-22. Review status: criteria provided, single submitter. Criteria: ACMG Guidelines, 2015. Collection method: clinical testing. Allele origin: germline. Affected: no.

Genome-Nilou Lab
Classification: Uncertain significance for Congenital bilateral aplasia of vas deferens from CFTR mutation. Last evaluated: 2021-07-22. Review status: criteria provided, single submitter. Criteria: ACMG Guidelines, 2015. Collection method: clinical testing. Allele origin: germline. Affected: no.

Mayo Clinic Laboratories, Mayo Clinic
Classification: Uncertain significance. Last evaluated: 2021-02-15. Review status: criteria provided, single submitter. Criteria: ACMG Guidelines, 2015. Collection method: clinical testing. Allele origin: germline. Observed: 1 variant allele.

PreventionGenetics, part of Exact Sciences
Classification: Likely benign for CFTR-related condition. Last evaluated: 2024-08-01. Review status: no assertion criteria provided. Collection method: clinical testing. Allele origin: germline. Not counted in ClinVar's aggregate classification.
Comment: This variant is classified as likely benign based on ACMG/AMP sequence variant interpretation guidelines (Richards et al. 2015 PMID: 25741868, with internal and published modifications).

Natera, Inc.
Classification: Uncertain significance for Cystic Fibrosis. Last evaluated: 2018-10-09. Review status: no assertion criteria provided. Collection method: clinical testing. Allele origin: germline. Not counted in ClinVar's aggregate classification.

Literature cited by the submitters: PubMed 23343000 (cited by Women's Health and Genetics/Laboratory Corporation of America, LabCorp).

NM_000492.4(CFTR):c.1679+9C>G

Genes: CFTR (CF transmembrane conductance regulator; plus strand), LOC111674475 (CFTR intron 11 enhancer; plus strand). Cytogenetic location: 7q31.2.
Variant type: single nucleotide variant.
Coding change: c.1679+9C>G on transcript NM_000492.4 (MANE Select); 9 bases into the intron after coding-DNA position 1679, C replaced by G.
Molecular consequence: intron variant.
Genome position (GRCh38, 1-based): chr7:117,587,842, C>G. VCF-style: chr7-117587842-C-G. GRCh37 (hg19) VCF-style: chr7-117227896-C-G.
Identifiers: ClinVar variation 416594 (VCV000416594.26), dbSNP rs775440240, ClinGen allele CA4451055.